The following is an entry in ClinVar:

NM_001366385.1(CARD14):c.455G>A (p.Arg152Gln)

Gene: CARD14 (caspase recruitment domain family member 14; plus strand). Cytogenetic location: 17q25.3.
Variant type: single nucleotide variant.
Coding change: c.455G>A on transcript NM_001366385.1 (MANE Select); coding-DNA position 455, G replaced by A.
Protein change: p.Arg152Gln; replaces arginine 152 with glutamine.
Molecular consequence: missense variant. On other transcripts: non-coding transcript variant (1).
Genome position (GRCh38, 1-based): chr17:80,184,018, G>A. VCF-style: chr17-80184018-G-A. GRCh37 (hg19) VCF-style: chr17-78157817-G-A.
Other names: c.455G>A, p.Arg152Gln (NM_001257970.1, NM_024110.4); short protein forms R152Q.
Identifiers: ClinVar variation 4794389 (VCV004794389.1).

ClinVar aggregate classification (germline): Uncertain significance (1 of 4 stars; one submission).

Conditions:
Psoriasis 2. Identifiers: MedGen C1864497, MONDO:0011269, OMIM 602723.
Pityriasis rubra pilaris (PRP). Also called: Pityriasis rubra pilaris--familial type. Identifiers: Orphanet 2897, MedGen C0032027, MONDO:0100017, OMIM 173200, MONDO:0008251.

gnomAD v4.1: 18 of 1,585,084 alleles (0.0011%); highest among the groups gnomAD compares: South Asian, 0.0034%; no homozygotes.

Submission:

Labcorp Genetics (formerly Invitae), Labcorp
Classification: Uncertain significance for Pityriasis rubra pilaris; Psoriasis 2. Last evaluated: 2025-08-30. Review status: criteria provided, single submitter. Criteria: Invitae Variant Classification Sherloc (09022015). Collection method: clinical testing. Allele origin: germline.
Comment: This sequence change replaces arginine, which is basic and polar, with glutamine, which is neutral and polar, at codon 152 of the CARD14 protein (p.Arg152Gln). The frequency data for this variant in the population databases is considered unreliable, as metrics indicate poor data quality at this position in the gnomAD database. This variant has not been reported in the literature in individuals affected with CARD14-related conditions. Invitae Evidence Modeling of protein sequence and biophysical properties (such as structural, functional, and spatial information, amino acid conservation, physicochemical variation, residue mobility, and thermodynamic stability) indicates that this missense variant is not expected to disrupt CARD14 protein function with a negative predictive value of 95%. In summary, the available evidence is currently insufficient to determine the role of this variant in disease. Therefore, it has been classified as a Variant of Uncertain Significance.